The following is an entry in ClinVar:

ClinVar aggregate classification (germline): Likely pathogenic (1 of 4 stars; one submission).

Conditions:
3-methylcrotonyl-CoA carboxylase 2 deficiency. Also called: METHYLCROTONYLGLYCINURIA, TYPE II; 3 alpha methylcrotonyl-CoA carboxylase 2 deficiency; 3 alpha methylcrotonylglycinuria 2; MCC 2 deficiency; Methylcrotonylglycinuria type 2. Identifiers: Orphanet 6, MedGen C1859499, MONDO:0008862, OMIM 210210.

Allele frequency attached by ClinVar (database versions not stated): gnomAD 0.00001.
gnomAD v4.1: 1 of 1,599,788 alleles (0.000063%); highest among the groups gnomAD compares: Non-Finnish European, 0.000085%; no homozygotes.

Submission:

Labcorp Genetics (formerly Invitae), Labcorp
Classification: Likely pathogenic for 3-methylcrotonyl-CoA carboxylase 2 deficiency. Last evaluated: 2023-06-29. Review status: criteria provided, single submitter. Criteria: Invitae Variant Classification Sherloc (09022015). Collection method: clinical testing. Allele origin: germline.
Comment: In summary, the currently available evidence indicates that the variant is pathogenic, but additional data are needed to prove that conclusively. Therefore, this variant has been classified as Likely Pathogenic. Algorithms developed to predict the effect of sequence changes on RNA splicing suggest that this variant may disrupt the consensus splice site. This variant has not been reported in the literature in individuals affected with MCCC2-related conditions. This variant is present in population databases (no rsID available, gnomAD 0.007%). This sequence change affects an acceptor splice site in intron 1 of the MCCC2 gene. It is expected to disrupt RNA splicing. Variants that disrupt the donor or acceptor splice site typically lead to a loss of protein function (PMID: 16199547), and loss-of-function variants in MCCC2 are known to be pathogenic (PMID: 11181649, 22642865).

Literature cited by the submitters: PubMed 16199547; PubMed 11181649; PubMed 22642865.

NM_022132.5(MCCC2):c.130-2A>G

Gene: MCCC2 (methylcrotonyl-CoA carboxylase subunit 2; plus strand). Cytogenetic location: 5q13.2.
Variant type: single nucleotide variant.
Coding change: c.130-2A>G on transcript NM_022132.5 (MANE Select); the canonical splice acceptor site of the intron before coding-DNA position 130, A replaced by G.
Molecular consequence: splice acceptor variant.
Genome position (GRCh38, 1-based): chr5:71,592,924, A>G. VCF-style: chr5-71592924-A-G. GRCh37 (hg19) VCF-style: chr5-70888751-A-G.
Other names: c.130-2A>G (NM_001363147.1).
Identifiers: ClinVar variation 2676479 (VCV002676479.5), dbSNP rs1022880212, ClinGen allele CA120019864.
Genomic context (GRCh38, chr5:71,592,924, plus strand): 5'-TTTGGTAAAAAGGAATTGCTTTCTAATATTTCTCTCCCCTGTCTCCTCTATTTCTGTTTT[A>G]GGAGAACTACAAGCAGATGAAAGCACTAGTAAATCAGCTCCATGAACGAGTGGAGCATAT-3'